The following is an entry in ClinVar:

NM_032444.4(SLX4):c.3371T>C (p.Ile1124Thr)

Gene: SLX4 (SLX4 structure-specific endonuclease subunit; minus strand). Cytogenetic location: 16p13.3.
Variant type: single nucleotide variant.
Coding change: c.3371T>C on transcript NM_032444.4 (MANE Select); coding-DNA position 3371, T replaced by C.
Protein change: p.Ile1124Thr; replaces isoleucine 1124 with threonine.
Molecular consequence: missense variant.
Genome position (GRCh38, 1-based): chr16:3,590,267, A>G on the plus strand (T>C on the coding strand, the complement: SLX4 is on the minus strand). VCF-style: chr16-3590267-A-G. GRCh37 (hg19) VCF-style: chr16-3640268-A-G.
Other names: short protein forms I1124T.
Identifiers: ClinVar variation 1466261 (VCV001466261.8), dbSNP rs2040567955, ClinGen allele CA394520282.
Genomic context (GRCh38, chr16:3,590,267, plus strand): 5'-TTGGATGAAGATTTCTGAGATCTGGAGCTCGAATGGTCAGGATTTGACTGGGTTAGGTCA[A>G]TAGACGGAGATTTTTCTGGGAACATCAGGACCCCCTTATTTCTGCACTCCAGCACGGACC-3'
Protein context (NP_115820.2, residues 1114-1134): VLMFPEKSPS[Ile1124Thr]DLTQSNPDHS

ClinVar aggregate classification (germline): Uncertain significance (1 of 4 stars; one submission).

Conditions:
Fanconi anemia (FA). Also called: Fanconi's anemia. Identifiers: Orphanet 84, MedGen C0015625, MeSH D005199, MONDO:0019391.

Allele frequency attached by ClinVar (database versions not stated): gnomAD 0.00001.

Submission:

Labcorp Genetics (formerly Invitae), Labcorp
Classification: Uncertain significance for Fanconi anemia. Last evaluated: 2021-01-28. Review status: criteria provided, single submitter. Criteria: Invitae Variant Classification Sherloc (09022015). Collection method: clinical testing. Allele origin: germline.
Comment: This variant is not present in population databases (ExAC no frequency). In summary, the available evidence is currently insufficient to determine the role of this variant in disease. Therefore, it has been classified as a Variant of Uncertain Significance. Algorithms developed to predict the effect of missense changes on protein structure and function are either unavailable or do not agree on the potential impact of this missense change (SIFT: "Tolerated"; PolyPhen-2: "Possibly Damaging"; Align-GVGD: "Class C0"). This variant has not been reported in the literature in individuals with SLX4-related conditions. This sequence change replaces isoleucine with threonine at codon 1124 of the SLX4 protein (p.Ile1124Thr). The isoleucine residue is moderately conserved and there is a moderate physicochemical difference between isoleucine and threonine.